The following is an entry in ClinVar:

ClinVar aggregate classification (germline): Likely benign (1 of 4 stars; one submission).

Allele frequency attached by ClinVar (database versions not stated): gnomAD 0.00001; gnomAD exomes 0.00002; TOPMed 0.00002; ExAC 0.00003.
gnomAD v4.1: 22 of 1,573,764 alleles (0.0014%); highest among the groups gnomAD compares: Middle Eastern, 0.017%; no homozygotes.

Submission:

CeGaT Center for Human Genetics Tuebingen
Classification: Likely benign. Last evaluated: 2022-10-01. Review status: criteria provided, single submitter. Criteria: CeGaT Center For Human Genetics Tuebingen Variant Classification Criteria Version 2. Collection method: clinical testing. Allele origin: germline. Affected: yes. Observed: 1 variant allele.
Comment: GREB1: BP4, BP7

NM_014668.4(GREB1):c.918C>T (p.Ser306=)

Gene: GREB1 (growth regulating estrogen receptor binding 1; plus strand). Cytogenetic location: 2p25.1.
Variant type: single nucleotide variant.
Coding change: c.918C>T on transcript NM_014668.4 (MANE Select); coding-DNA position 918, C replaced by T.
Protein change: p.Ser306=; no amino-acid change (serine 306 retained).
Molecular consequence: synonymous variant.
Genome position (GRCh38, 1-based): chr2:11,585,177, C>T. VCF-style: chr2-11585177-C-T. GRCh37 (hg19) VCF-style: chr2-11725303-C-T.
Other names: c.918C>T, p.Ser306= (NM_033090.3, NM_148903.3).
Identifiers: ClinVar variation 2650681 (VCV002650681.24), dbSNP rs776087177, ClinGen allele CA1531345.